The following is an entry in ClinVar:

ClinVar aggregate classification (germline): Uncertain significance (1 of 4 stars; one submission).

Conditions:
Gastrointestinal stromal tumor. Also called: Gastrointestinal stromal tumor, somatic; Gastrointestinal stroma tumor. Identifiers: Orphanet 44890, MedGen C0238198, MeSH D046152, MONDO:0011719, OMIM 606764, HP:0100723.

Submission:

Labcorp Genetics (formerly Invitae), Labcorp
Classification: Uncertain significance for Gastrointestinal stromal tumor. Last evaluated: 2025-11-22. Review status: criteria provided, single submitter. Criteria: Invitae Variant Classification Sherloc (09022015). Collection method: clinical testing. Allele origin: germline.
Comment: This sequence change replaces glutamic acid, which is acidic and polar, with valine, which is neutral and non-polar, at codon 925 of the KIT protein (p.Glu925Val). This variant is not present in population databases (gnomAD no frequency). This variant has not been reported in the literature in individuals affected with KIT-related conditions. An algorithm developed to predict the effect of missense changes on protein structure and function (PolyPhen-2) suggests that this variant is likely to be tolerated. In summary, the available evidence is currently insufficient to determine the role of this variant in disease. Therefore, it has been classified as a Variant of Uncertain Significance.

NM_000222.3(KIT):c.2774A>T (p.Glu925Val)

Gene: KIT (KIT proto-oncogene, receptor tyrosine kinase; plus strand). Cytogenetic location: 4q12.
Variant type: single nucleotide variant.
Coding change: c.2774A>T on transcript NM_000222.3 (MANE Select); coding-DNA position 2774, A replaced by T.
Protein change: p.Glu925Val; replaces glutamic acid 925 with valine.
Molecular consequence: missense variant.
Genome position (GRCh38, 1-based): chr4:54,737,252, A>T. VCF-style: chr4-54737252-A-T. GRCh37 (hg19) VCF-style: chr4-55603418-A-T.
Other names: c.2762A>T, p.Glu921Val (NM_001093772.2, NM_001385292.1); c.2777A>T, p.Glu926Val (NM_001385284.1); c.2771A>T, p.Glu924Val (NM_001385285.1); c.2759A>T, p.Glu920Val (NM_001385286.1); c.2765A>T, p.Glu922Val (NM_001385288.1); c.2774A>T, p.Glu925Val (NM_001385290.1); short protein forms E922V, E925V, E921V, E924V, E926V, E920V.
Identifiers: ClinVar variation 4731666 (VCV004731666.1).
Genomic context (GRCh38, chr4:54,737,252, plus strand): 5'-CTTGCTGGGATGCAGATCCCCTAAAAAGACCAACATTCAAGCAAATTGTTCAGCTAATTG[A>T]GAAGCAGATTTCAGAGAGCACCAATCATGTGAGTATACCCTGGCCAGGCATAGAATCCCC-3'
Protein context (NP_000213.1, residues 915-935): PTFKQIVQLI[Glu925Val]KQISESTNHI